The following is an entry in ClinVar:

NM_015041.3(CLUAP1):c.713+1G>T

Gene: CLUAP1 (clusterin associated protein 1; plus strand). Cytogenetic location: 16p13.3.
Variant type: single nucleotide variant.
Coding change: c.713+1G>T on transcript NM_015041.3 (MANE Select); the canonical splice donor site of the intron after coding-DNA position 713, G replaced by T.
Molecular consequence: splice donor variant.
Genome position (GRCh38, 1-based): chr16:3,520,037, G>T. VCF-style: chr16-3520037-G-T. GRCh37 (hg19) VCF-style: chr16-3570037-G-T.
Other names: c.713+1G>T (NM_001330454.2); c.215+1G>T (NM_024793.3).
Identifiers: ClinVar variation 1461259 (VCV001461259.8), dbSNP rs2151057316, ClinGen allele CA394513451.

ClinVar aggregate classification (germline): Uncertain significance (1 of 4 stars; one submission).

gnomAD v4.1: 1 of 1,605,704 alleles (0.000062%); highest among the groups gnomAD compares: African/African-American, 0.0013%; no homozygotes.

Submission:

Labcorp Genetics (formerly Invitae), Labcorp
Classification: Uncertain significance. Last evaluated: 2021-02-22. Review status: criteria provided, single submitter. Criteria: Invitae Variant Classification Sherloc (09022015). Collection method: clinical testing. Allele origin: germline.
Comment: Algorithms developed to predict the effect of sequence changes on RNA splicing suggest that this variant may disrupt the consensus splice site, but this prediction has not been confirmed by published transcriptional studies. This variant has not been reported in the literature in individuals with CLUAP1-related conditions. This variant is not present in population databases (ExAC no frequency). This sequence change affects a donor splice site in intron 7 of the CLUAP1 gene. It is expected to disrupt RNA splicing. Variants that disrupt the donor or acceptor splice site typically lead to a loss of protein function (PMID: 16199547), however the current clinical and genetic evidence is not sufficient to establish whether loss-of-function variants in CLUAP1 cause disease. In summary, the available evidence is currently insufficient to determine the role of this variant in disease. Therefore, it has been classified as a Variant of Uncertain Significance.

Literature cited by the submitters: PubMed 16199547.